The following is an entry in ClinVar:

ClinVar aggregate classification (germline): Uncertain significance (1 of 4 stars; one submission).

Conditions:
Hereditary spastic paraplegia 30. Identifiers: Orphanet 101010, MedGen C5235139, MONDO:0012476.
Neuropathy, hereditary sensory, type 2C. Also called: Hereditary sensory and autonomic neuropathy type IIC; KIF1A-Related HSAN2 (HSAN2C). Identifiers: Orphanet 970, MedGen C3280168, MONDO:0013634, OMIM 614213.
Intellectual disability, autosomal dominant 9 (NESCAVS). Also called: NESCAV SYNDROME; KIF1A-Related Neurodevelopmental Disorder. Identifiers: Orphanet 662367, MedGen C5393830, MONDO:0013656, OMIM 614255.

gnomAD v4.1: 2 of 1,613,056 alleles (0.00012%); highest among the groups gnomAD compares: South Asian, 0.0022%; no homozygotes.

Submission:

Labcorp Genetics (formerly Invitae), Labcorp
Classification: Uncertain significance for Hereditary spastic paraplegia 30; Neuropathy, hereditary sensory, type 2C; Intellectual disability, autosomal dominant 9. Last evaluated: 2025-10-01. Review status: criteria provided, single submitter. Criteria: Invitae Variant Classification Sherloc (09022015). Collection method: clinical testing. Allele origin: germline.
Comment: This sequence change replaces proline, which is neutral and non-polar, with alanine, which is neutral and non-polar, at codon 616 of the KIF1A protein (p.Pro616Ala). This variant is not present in population databases (gnomAD no frequency). This variant has not been reported in the literature in individuals affected with KIF1A-related conditions. ClinVar contains an entry for this variant (Variation ID: 2067514). Invitae Evidence Modeling of protein sequence and biophysical properties (such as structural, functional, and spatial information, amino acid conservation, physicochemical variation, residue mobility, and thermodynamic stability) has been performed for this missense variant. However, the output from this modeling did not meet the statistical confidence thresholds required to predict the impact of this variant on KIF1A protein function. In summary, the available evidence is currently insufficient to determine the role of this variant in disease. Therefore, it has been classified as a Variant of Uncertain Significance.

NM_001244008.2(KIF1A):c.1873C>G (p.Pro625Ala)

Gene: KIF1A (kinesin family member 1A; minus strand). Cytogenetic location: 2q37.3.
Variant type: single nucleotide variant.
Coding change: c.1873C>G on transcript NM_001244008.2 (MANE Select); coding-DNA position 1873, C replaced by G.
Protein change: p.Pro625Ala; replaces proline 625 with alanine.
Molecular consequence: missense variant.
Genome position (GRCh38, 1-based): chr2:240,763,242, G>C on the plus strand (C>G on the coding strand, the complement: KIF1A is on the minus strand). VCF-style: chr2-240763242-G-C. GRCh37 (hg19) VCF-style: chr2-241702659-G-C.
Other names: c.1873C>G, p.Pro625Ala (NM_001320705.2, NM_001330289.2, NM_001379638.1); c.1948C>G, p.Pro650Ala (NM_001330290.2, NM_001379631.1, NM_001379634.1 and 2 more transcripts); c.1846C>G, p.Pro616Ala (NM_001379632.1, NM_001379633.1, NM_001379636.1 and 11 more transcripts); c.1921C>G, p.Pro641Ala (NM_001379637.1, NM_001379648.1); short protein forms P641A, P616A, P650A, P625A.
Identifiers: ClinVar variation 2067514 (VCV002067514.4), dbSNP rs2537671309, ClinGen allele CA351327096.
Genomic context (GRCh38, chr2:240,763,242, plus strand): 5'-GCTTCATGTCGATGCCCTGCTTCTCCAGCAGCTCACGCTGGGCGAAGGCCCAGTCCACAG[G>C]CTCAGCTGGCGTCTCCGCACAAGGCGTGCGCTCACGCTCCTGCCGGGCCTGCTCGGGGTG-3'
Protein context (NP_001230937.1, residues 615-635): RTPCAETPAE[Pro625Ala]VDWAFAQREL